The following is an entry in ClinVar:

ClinVar aggregate classification (germline): Uncertain significance. Review status: criteria provided, multiple submitters, no conflicts (2 of 4 stars). 3 submissions from 3 submitters: Uncertain significance (3). Last evaluated 2026-03-28.

Conditions:
Inborn genetic diseases. Identifiers: MedGen C0950123, MeSH D030342.
Short-rib thoracic dysplasia 14 with polydactyly (SRTD14). Identifiers: Orphanet 397715, MedGen C4225286, MONDO:0014688, OMIM 616546.
Joubert syndrome 23 (JBTS23). Identifiers: Orphanet 475, MedGen C4084822, MONDO:0014664, OMIM 616490.

Allele frequency attached by ClinVar (database versions not stated): gnomAD exomes 0.00010 and 0.00004; TOPMed 0.00003; ExAC 0.00014.
gnomAD v4.1: 24 of 1,578,720 alleles (0.0015%); highest among the groups gnomAD compares: Admixed American, 0.043%; no homozygotes.

Submissions (3):

GeneDx
Classification: Uncertain significance. Last evaluated: 2026-03-28. Review status: criteria provided, single submitter. Criteria: GeneDx Variant Classification Process June 2021. Collection method: clinical testing. Allele origin: germline.
Comment: In silico analysis suggests that this missense variant does not alter protein structure/function; Has not been previously published as pathogenic or benign to our knowledge

Ambry Genetics
Classification: Uncertain significance for Inborn genetic diseases. Last evaluated: 2024-05-15. Review status: criteria provided, single submitter. Criteria: Ambry Variant Classification Scheme 2023. Collection method: clinical testing. Allele origin: germline.

Labcorp Genetics (formerly Invitae), Labcorp
Classification: Uncertain significance for Joubert syndrome 23; Short-rib thoracic dysplasia 14 with polydactyly. Last evaluated: 2022-08-21. Review status: criteria provided, single submitter. Criteria: Invitae Variant Classification Sherloc (09022015). Collection method: clinical testing. Allele origin: germline.
Comment: This sequence change replaces valine, which is neutral and non-polar, with alanine, which is neutral and non-polar, at codon 1021 of the KIAA0586 protein (p.Val1021Ala). This variant is present in population databases (rs753972803, gnomAD 0.07%). This variant has not been reported in the literature in individuals affected with KIAA0586-related conditions. ClinVar contains an entry for this variant (Variation ID: 1000361). Algorithms developed to predict the effect of missense changes on protein structure and function output the following: SIFT: "Tolerated"; PolyPhen-2: "Benign"; Align-GVGD: "Class C0". The alanine amino acid residue is found in multiple mammalian species, which suggests that this missense change does not adversely affect protein function. In summary, the available evidence is currently insufficient to determine the role of this variant in disease. Therefore, it has been classified as a Variant of Uncertain Significance.

NM_001329943.3(KIAA0586):c.2903T>C (p.Val968Ala)

Gene: KIAA0586 (KIAA0586; plus strand). Cytogenetic location: 14q23.1.
Variant type: single nucleotide variant.
Coding change: c.2903T>C on transcript NM_001329943.3 (MANE Select); coding-DNA position 2903, T replaced by C.
Protein change: p.Val968Ala; replaces valine 968 with alanine.
Molecular consequence: missense variant.
Genome position (GRCh38, 1-based): chr14:58,477,200, T>C. VCF-style: chr14-58477200-T-C. GRCh37 (hg19) VCF-style: chr14-58943918-T-C.
Other names: c.2903T>C, p.Val968Ala (NM_001329946.2, NM_001329947.2, NM_001329944.2); c.2648T>C, p.Val883Ala (NM_001364700.1, NM_001364701.2, NM_001244191.2 and 1 more transcripts); c.2675T>C, p.Val892Ala (NM_014749.5); c.2675T>C (NM_014749.3); c.3062T>C, p.Val1021Ala (NM_001244189.2); c.2858T>C, p.Val953Ala (NM_001244190.2); c.2771T>C, p.Val924Ala (NM_001244192.2); c.2483T>C, p.Val828Ala (NM_001244193.2); and 1 more; short protein forms V1021A, V828A, V883A, V892A, V924A, V953A, V968A.
Identifiers: ClinVar variation 1000361 (VCV001000361.5), dbSNP rs753972803, ClinGen allele CA7206000.